The following is an entry in ClinVar:

NM_001283009.2(RTEL1):c.3551T>G (p.Phe1184Cys)

Genes: RTEL1 (regulator of telomere elongation helicase 1; plus strand), RTEL1-TNFRSF6B (RTEL1-TNFRSF6B readthrough (NMD candidate); plus strand). Cytogenetic location: 20q13.33.
Variant type: single nucleotide variant.
Coding change: c.3551T>G on transcript NM_001283009.2 (MANE Select); coding-DNA position 3551, T replaced by G.
Protein change: p.Phe1184Cys; replaces phenylalanine 1184 with cysteine.
Molecular consequence: missense variant. On other transcripts: non-coding transcript variant (1).
Genome position (GRCh38, 1-based): chr20:63,695,379, T>G. VCF-style: chr20-63695379-T-G. GRCh37 (hg19) VCF-style: chr20-62326732-T-G.
Other names: c.2882T>G, p.Phe961Cys (NM_001283010.1); c.3551T>G, p.Phe1184Cys (NM_016434.4); c.3623T>G, p.Phe1208Cys (NM_032957.5); short protein forms F1184C, F1208C, F961C.
Identifiers: ClinVar variation 3756080 (VCV003756080.3).

ClinVar aggregate classification (germline): Uncertain significance. Review status: criteria provided, multiple submitters, no conflicts (2 of 4 stars). 2 submissions from 2 submitters: Uncertain significance (2). Last evaluated 2025-08-29.

Conditions:
Pulmonary fibrosis and/or bone marrow failure, Telomere-related, 3. Also called: PULMONARY FIBROSIS AND/OR BONE MARROW FAILURE SYNDROME, TELOMERE-RELATED, 3. Identifiers: Orphanet 2032, MedGen C4225346, MONDO:0014613, OMIM 616373.
Dyskeratosis congenita, autosomal recessive 5 (DKCB5). Identifiers: MedGen C3554656, MONDO:0014076, OMIM 615190.
Inborn genetic diseases. Identifiers: MedGen C0950123, MeSH D030342.

gnomAD v4.1: 2 of 1,554,064 alleles (0.00013%); highest among the groups gnomAD compares: African/African-American, 0.0027%; no homozygotes.

Submissions (2):

Ambry Genetics
Classification: Uncertain significance for Inborn genetic diseases. Last evaluated: 2025-08-29. Review status: criteria provided, single submitter. Criteria: Ambry Variant Classification Scheme 2023. Collection method: clinical testing. Allele origin: germline.
Comment: The p.F1184C variant (also known as c.3551T>G), located in coding exon 33 of the RTEL1 gene, results from a T to G substitution at nucleotide position 3551. The phenylalanine at codon 1184 is replaced by cysteine, an amino acid with highly dissimilar properties. This amino acid position is conserved. In addition, this alteration is predicted to be tolerated by in silico analysis. Based on the available evidence, the clinical significance of this variant remains unclear.

Labcorp Genetics (formerly Invitae), Labcorp
Classification: Uncertain significance for Dyskeratosis congenita, autosomal recessive 5; Pulmonary fibrosis and/or bone marrow failure, Telomere-related, 3. Last evaluated: 2024-10-25. Review status: criteria provided, single submitter. Criteria: Invitae Variant Classification Sherloc (09022015). Collection method: clinical testing. Allele origin: germline.
Comment: This sequence change replaces phenylalanine, which is neutral and non-polar, with cysteine, which is neutral and slightly polar, at codon 1184 of the RTEL1 protein (p.Phe1184Cys). This variant is present in population databases (no rsID available, gnomAD 0.01%). This variant has not been reported in the literature in individuals affected with RTEL1-related conditions. An algorithm developed to predict the effect of missense changes on protein structure and function outputs the following: PolyPhen-2: "Benign". The cysteine amino acid residue is found in multiple mammalian species, which suggests that this missense change does not adversely affect protein function. In summary, the available evidence is currently insufficient to determine the role of this variant in disease. Therefore, it has been classified as a Variant of Uncertain Significance.